The following is an entry in ClinVar:

NM_001281740.3(FHOD3):c.1912C>T (p.Arg638Trp)

Gene: FHOD3 (formin homology 2 domain containing 3; plus strand). Cytogenetic location: 18q12.2.
Variant type: single nucleotide variant.
Coding change: c.1912C>T on transcript NM_001281740.3 (MANE Select); coding-DNA position 1912, C replaced by T.
Protein change: p.Arg638Trp; replaces arginine 638 with tryptophan.
Molecular consequence: missense variant.
Genome position (GRCh38, 1-based): chr18:36,681,512, C>T. VCF-style: chr18-36681512-C-T. GRCh37 (hg19) VCF-style: chr18-34261475-C-T.
Other names: c.1387C>T, p.Arg463Trp (NM_001281739.3, NM_025135.5); c.1387C>T (NM_025135.3, NM_025135.2); short protein forms R463W, R638W.
Identifiers: ClinVar variation 2665092 (VCV002665092.15), dbSNP rs141148037, ClinGen allele CA8941695.

ClinVar aggregate classification (germline): Conflicting classifications of pathogenicity. Review status: criteria provided, conflicting classifications (1 of 4 stars). 8 submissions from 8 submitters: Uncertain significance (5); Likely benign (1). 2 of the submissions do not count toward it. Last evaluated 2025-10-01.

Conditions:
FHOD3-related disorder. Also called: FHOD3-related condition.
Inborn genetic diseases. Identifiers: MedGen C0950123, MeSH D030342.
Cardiovascular phenotype. Identifiers: MedGen CN230736.
Cardiomyopathy, familial hypertrophic, 28. Identifiers: MedGen C5543616, MONDO:0030317, OMIM 619402.
Hypertrophic cardiomyopathy. Also called: HYPERTROPHIC MYOCARDIOPATHY. Identifiers: Orphanet 217569, MedGen C0007194, MeSH D002312, MONDO:0005045, HP:0001639.

Allele frequency attached by ClinVar (database versions not stated): ExAC 0.00056; gnomAD 0.00058; 1000 Genomes Project 0.00060; TOPMed 0.00061; ESP Exome Variant Server 0.00077; 1000 Genomes Project 30x 0.00078; gnomAD exomes 0.00082.
gnomAD v4.1: 1,274 of 1,613,476 alleles (0.079%); highest among the groups gnomAD compares: Non-Finnish European, 0.1%; 1 homozygote.

Submissions (8):

CeGaT Center for Human Genetics Tuebingen
Classification: Uncertain significance. Last evaluated: 2025-10-01. Review status: criteria provided, single submitter. Criteria: CeGaT Center For Human Genetics Tuebingen Variant Classification Criteria Version 2. Collection method: clinical testing. Allele origin: germline. Affected: yes. Observed: 1 variant allele.
Comment: FHOD3: PM1:Supporting

Molecular Diagnostic Laboratory for Inherited Cardiovascular Disease, Montreal Heart Institute
Classification: Uncertain significance for Cardiovascular phenotype. Last evaluated: 2025-04-09. Review status: criteria provided, single submitter. Criteria: ACMG Guidelines, 2015. Collection method: clinical testing. Allele origin: germline. Affected: yes.
Comment: PS4_supp;PP3

GeneDx
Classification: Uncertain significance. Last evaluated: 2025-02-09. Review status: criteria provided, single submitter. Criteria: GeneDx Variant Classification Process June 2021. Collection method: clinical testing. Allele origin: germline. Affected: yes.
Comment: In silico analysis supports that this missense variant has a deleterious effect on protein structure/function; Has not been previously published as pathogenic or benign to our knowledge

Blueprint Genetics
Classification: Likely benign. Last evaluated: 2024-10-24. Review status: criteria provided, single submitter. Criteria: ACMG Guidelines, 2015. Collection method: clinical testing. Allele origin: germline.

Ambry Genetics
Classification: Uncertain significance for Inborn genetic diseases. Last evaluated: 2024-05-09. Review status: criteria provided, single submitter. Criteria: Ambry Variant Classification Scheme 2023. Collection method: clinical testing. Allele origin: germline.

New York Genome Center
Classification: Uncertain significance for Cardiomyopathy, familial hypertrophic, 28. Last evaluated: 2023-08-09. Review status: criteria provided, single submitter. Criteria: NYGC Assertion Criteria 2020. Collection method: clinical testing. Allele origin: germline. Observed: 1 heterozygote.

PreventionGenetics, part of Exact Sciences
Classification: Likely benign for FHOD3-related condition. Last evaluated: 2023-01-10. Review status: no assertion criteria provided. Collection method: clinical testing. Allele origin: germline. Not counted in ClinVar's aggregate classification.
Comment: This variant is classified as likely benign based on ACMG/AMP sequence variant interpretation guidelines (Richards et al. 2015 PMID: 25741868, with internal and published modifications).

Zaffran Lab, Genetics of Cardiac Diseases Laboratory, Marseille Medical Genetics
Classification: Uncertain significance for hypertrophic cardiomyopathy. Review status: no assertion criteria provided. Collection method: research. Allele origin: unknown. Affected: yes. Not counted in ClinVar's aggregate classification.